The following is an entry in ClinVar:

ClinVar aggregate classification (germline): Uncertain significance (1 of 4 stars; one submission).

Conditions:
Tuberous sclerosis 2 (TSC2). Identifiers: Orphanet 805, MedGen C1860707, MONDO:0013199, OMIM 613254.

Submission:

Labcorp Genetics (formerly Invitae), Labcorp
Classification: Uncertain significance for Tuberous sclerosis 2. Last evaluated: 2025-07-07. Review status: criteria provided, single submitter. Criteria: Invitae Variant Classification Sherloc (09022015). Collection method: clinical testing. Allele origin: germline.
Comment: This sequence change replaces proline, which is neutral and non-polar, with serine, which is neutral and polar, at codon 953 of the TSC2 protein (p.Pro953Ser). This variant is not present in population databases (gnomAD no frequency). This variant has not been reported in the literature in individuals affected with TSC2-related conditions. ClinVar contains an entry for this variant (Variation ID: 1347028). Invitae Evidence Modeling of protein sequence and biophysical properties (such as structural, functional, and spatial information, amino acid conservation, physicochemical variation, residue mobility, and thermodynamic stability) indicates that this missense variant is not expected to disrupt TSC2 protein function with a negative predictive value of 95%. In summary, the available evidence is currently insufficient to determine the role of this variant in disease. Therefore, it has been classified as a Variant of Uncertain Significance.

NM_000548.5(TSC2):c.2857C>T (p.Pro953Ser)

Gene: TSC2 (TSC complex subunit 2; plus strand). Cytogenetic location: 16p13.3.
Variant type: single nucleotide variant.
Coding change: c.2857C>T on transcript NM_000548.5 (MANE Select); coding-DNA position 2857, C replaced by T.
Protein change: p.Pro953Ser; replaces proline 953 with serine.
Molecular consequence: missense variant. On other transcripts: intron variant (9).
Genome position (GRCh38, 1-based): chr16:2,077,617, C>T. VCF-style: chr16-2077617-C-T. GRCh37 (hg19) VCF-style: chr16-2127618-C-T.
Other names: c.2857C>T, p.Pro953Ser (NM_001114382.3); c.2837+1032C>T (NM_021055.3, NM_001370405.1, NM_001363528.2 and 2 more transcripts); c.2726+1032C>T (NM_001318827.2); c.2237+1032C>T (NM_001318831.2); c.2690+1032C>T (NM_001318829.2); c.2870+1032C>T (NM_001318832.2); short protein forms P953S.
Identifiers: ClinVar variation 1347028 (VCV001347028.6), dbSNP rs2151413577, ClinGen allele CA394280833.